The following is an entry in ClinVar:

NM_006208.3(ENPP1):c.*1559G>T

Gene: ENPP1 (ectonucleotide pyrophosphatase/phosphodiesterase 1; plus strand). Cytogenetic location: 6q23.2.
Variant type: single nucleotide variant.
Coding change: c.*1559G>T on transcript NM_006208.3 (MANE Select); 1559 bases downstream of the stop codon, G replaced by T.
Molecular consequence: 3 prime UTR variant.
Genome position (GRCh38, 1-based): chr6:131,892,070, G>T. VCF-style: chr6-131892070-G-T. GRCh37 (hg19) VCF-style: chr6-132213210-G-T.
Identifiers: ClinVar variation 355394 (VCV000355394.5), dbSNP rs551333973, ClinGen allele CA10622956.

ClinVar aggregate classification (germline): Benign. Review status: criteria provided, single submitter (1 of 4 stars). 2 submissions from 1 submitter: Benign (2). Last evaluated 2018-01-13.

Conditions:
Arterial calcification, generalized, of infancy, 1 (GACI1). Also called: Idiopathic Infantile Arterial Calcification. Identifiers: Orphanet 51608, MedGen C4551985, MONDO:0008817, OMIM 208000.
Hypophosphatemic rickets, autosomal recessive, 2 (ARHR2). Identifiers: Orphanet 289176, MedGen C2750078, MONDO:0013219, OMIM 613312.

Allele frequency attached by ClinVar (database versions not stated): TOPMed 0.00005; gnomAD 0.00075 and 0.00004; 1000 Genomes Project 30x 0.00625; 1000 Genomes Project 0.00699.

Submissions (2):

Illumina Laboratory Services, Illumina
Classification: Benign for Hypophosphatemic rickets, autosomal recessive, 2. Last evaluated: 2018-01-13. Review status: criteria provided, single submitter. Criteria: ICSL Variant Classification Criteria 13 December 2019. Collection method: clinical testing. Allele origin: germline.
Comment: This variant was observed in the ICSL laboratory as part of a predisposition screen in an ostensibly healthy population. It had not been previously curated by ICSL or reported in the Human Gene Mutation Database (HGMD: prior to June 1st, 2018), and was therefore a candidate for classification through an automated scoring system. Utilizing variant allele frequency, disease prevalence and penetrance estimates, and inheritance mode, an automated score was calculated to assess if this variant is too frequent to cause the disease. Based on the score and internal cut-off values, a variant classified as benign is not then subjected to further curation. The score for this variant resulted in a classification of benign for this disease.

Illumina Laboratory Services, Illumina
Classification: Benign for Arterial calcification, generalized, of infancy, 1. Last evaluated: 2018-01-13. Review status: criteria provided, single submitter. Criteria: ICSL Variant Classification Criteria 13 December 2019. Collection method: clinical testing. Allele origin: germline.
Comment: the same text as in the submission from Illumina Laboratory Services, Illumina above.